The following is an entry in ClinVar:

ClinVar aggregate classification (germline): Uncertain significance (1 of 4 stars; one submission).

Submission:

CeGaT Center for Human Genetics Tuebingen
Classification: Uncertain significance. Last evaluated: 2026-09-01. Review status: criteria provided, single submitter. Criteria: CeGaT Center For Human Genetics Tuebingen Variant Classification Criteria Version 2. Collection method: clinical testing. Allele origin: germline. Affected: yes. Observed: 1 variant allele.
Comment: ASH1L: PM2

NM_018489.3(ASH1L):c.2276A>G (p.Lys759Arg)

Gene: ASH1L (ASH1 like histone lysine methyltransferase; minus strand). Cytogenetic location: 1q22.
Variant type: single nucleotide variant.
Coding change: c.2276A>G on transcript NM_018489.3 (MANE Select); coding-DNA position 2276, A replaced by G.
Protein change: p.Lys759Arg; replaces lysine 759 with arginine.
Molecular consequence: missense variant.
Genome position (GRCh38, 1-based): chr1:155,480,594, T>C on the plus strand (A>G on the coding strand, the complement: ASH1L is on the minus strand). VCF-style: chr1-155480594-T-C. GRCh37 (hg19) VCF-style: chr1-155450385-T-C.
Other names: c.2276A>G, p.Lys759Arg (NM_001366177.2); short protein forms K759R.
Identifiers: ClinVar variation 5041653 (VCV005041653.1).
Genomic context (GRCh38, chr1:155,480,594, plus strand): 5'-AATCGGCGTTTAAGGAAGTCATGATCTACAAATGAAGGGGGTCCAATGTTTTTCATAAAC[T>C]TGGCTGGCTCAGAATTACTATTTGATAGTGAGCTACATGAAACGTTTTTAAAAAGCTCTG-3'
Protein context (NP_060959.2, residues 749-769): SLSNSNSEPA[Lys759Arg]FMKNIGPPSF